The following is an entry in ClinVar:

NM_001006658.3(CR2):c.2895T>G (p.His965Gln)

Gene: CR2 (complement C3d receptor 2; plus strand). Cytogenetic location: 1q32.2.
Variant type: single nucleotide variant.
Coding change: c.2895T>G on transcript NM_001006658.3 (MANE Select); coding-DNA position 2895, T replaced by G.
Protein change: p.His965Gln; replaces histidine 965 with glutamine.
Molecular consequence: missense variant.
Genome position (GRCh38, 1-based): chr1:207,476,412, T>G. VCF-style: chr1-207476412-T-G. GRCh37 (hg19) VCF-style: chr1-207649757-T-G.
Other names: c.2718T>G, p.His906Gln (NM_001877.5); short protein forms H965Q, H906Q.
Identifiers: ClinVar variation 839784 (VCV000839784.9), dbSNP rs1658443099, ClinGen allele CA344540368.

ClinVar aggregate classification (germline): Uncertain significance (1 of 4 stars; one submission).

Conditions:
Immunodeficiency, common variable, 7. Identifiers: Orphanet 1572, Orphanet 696894, MedGen C3542922, MONDO:0013862, OMIM 614699.

Submission:

Labcorp Genetics (formerly Invitae), Labcorp
Classification: Uncertain significance for Immunodeficiency, common variable, 7. Last evaluated: 2024-10-16. Review status: criteria provided, single submitter. Criteria: Invitae Variant Classification Sherloc (09022015). Collection method: clinical testing. Allele origin: germline.
Comment: This sequence change replaces histidine, which is basic and polar, with glutamine, which is neutral and polar, at codon 965 of the CR2 protein (p.His965Gln). This variant is not present in population databases (gnomAD no frequency). This variant has not been reported in the literature in individuals affected with CR2-related conditions. ClinVar contains an entry for this variant (Variation ID: 839784). An algorithm developed to predict the effect of missense changes on protein structure and function (PolyPhen-2) suggests that this variant is likely to be tolerated. In summary, the available evidence is currently insufficient to determine the role of this variant in disease. Therefore, it has been classified as a Variant of Uncertain Significance.